The following is an entry in ClinVar:

NM_181882.3(PRX):c.3439C>T (p.Pro1147Ser)

Gene: PRX (periaxin; minus strand). Cytogenetic location: 19q13.2.
Variant type: single nucleotide variant.
Coding change: c.3439C>T on transcript NM_181882.3 (MANE Select); coding-DNA position 3439, C replaced by T.
Protein change: p.Pro1147Ser; replaces proline 1147 with serine.
Molecular consequence: missense variant. On other transcripts: 3 prime UTR variant (1).
Genome position (GRCh38, 1-based): chr19:40,394,913, G>A on the plus strand (C>T on the coding strand, the complement: PRX is on the minus strand). VCF-style: chr19-40394913-G-A. GRCh37 (hg19) VCF-style: chr19-40900820-G-A.
Other names: c.3724C>T, p.Pro1242Ser (NM_001411127.1); c.*3644C>T (NM_020956.2); short protein forms P1242S, P1147S.
Identifiers: ClinVar variation 4983782 (VCV004983782.1).

ClinVar aggregate classification (germline): Uncertain significance (1 of 4 stars; one submission).

Conditions:
PRX-related disorder. Also called: PRX-related condition; PRX-Related Disorders.

gnomAD v4.1: 6 of 1,610,272 alleles (0.00037%); highest among the groups gnomAD compares: Non-Finnish European, 0.00051%; no homozygotes.

Submission:

PreventionGenetics, part of Exact Sciences
Classification: Uncertain significance for PRX-related condition. Last evaluated: 2025-05-15. Review status: criteria provided, single submitter. Criteria: ACMG Guidelines, 2015. Collection method: clinical testing. Allele origin: germline.
Comment: The PRX c.3439C>T variant is predicted to result in the amino acid substitution p.Pro1147Ser. To our knowledge, this variant has not been reported in the literature. This variant is reported in 0.0018% of alleles in individuals of European (non-Finnish) descent in gnomAD. At this time, the clinical significance of this variant is uncertain due to the absence of conclusive functional and genetic evidence.